The following is an entry in ClinVar:

ClinVar aggregate classification (germline): Benign. Review status: criteria provided, multiple submitters, no conflicts (2 of 4 stars). 9 submissions from 9 submitters: Benign (8). 1 of the submissions does not count toward it. Last evaluated 2026-02-04.

Conditions:
Microcephalic osteodysplastic primordial dwarfism type II (MOPD2). Also called: MOPD II; OSTEODYSPLASTIC PRIMORDIAL DWARFISM, TYPE II; Microcephalic osteodysplastic primordial dwarfism with tooth abnormalities. Identifiers: Orphanet 2637, MedGen C0432246, MONDO:0008872, OMIM 210720.

Allele frequency attached by ClinVar (database versions not stated): 1000 Genomes Project 30x 0.28513; 1000 Genomes Project 0.28954; TOPMed 0.29404; ESP Exome Variant Server 0.29825.
gnomAD v4.1: 522,504 of 1,613,610 alleles (32%); highest among the groups gnomAD compares: East Asian, 42%; 86,014 homozygotes.

Submissions (9):

Labcorp Genetics (formerly Invitae), Labcorp
Classification: Benign. Last evaluated: 2026-02-04. Review status: criteria provided, single submitter. Criteria: Invitae Variant Classification Sherloc (09022015). Collection method: clinical testing. Allele origin: germline.

Blueprint Genetics
Classification: Benign. Last evaluated: 2024-11-28. Review status: criteria provided, single submitter. Criteria: ACMG Guidelines, 2015. Collection method: clinical testing. Allele origin: germline.

Genome-Nilou Lab
Classification: Benign for Microcephalic osteodysplastic primordial dwarfism type II. Last evaluated: 2021-09-05. Review status: criteria provided, single submitter. Criteria: ACMG Guidelines, 2015. Collection method: clinical testing. Allele origin: germline. Affected: no.

Illumina Laboratory Services, Illumina
Classification: Benign for Microcephalic osteodysplastic primordial dwarfism type II. Last evaluated: 2018-01-13. Review status: criteria provided, single submitter. Criteria: ICSL Variant Classification Criteria 13 December 2019. Collection method: clinical testing. Allele origin: germline.
Comment: This variant was observed in the ICSL laboratory as part of a predisposition screen in an ostensibly healthy population. It had not been previously curated by ICSL or reported in the Human Gene Mutation Database (HGMD: prior to June 1st, 2018), and was therefore a candidate for classification through an automated scoring system. Utilizing variant allele frequency, disease prevalence and penetrance estimates, and inheritance mode, an automated score was calculated to assess if this variant is too frequent to cause the disease. Based on the score and internal cut-off values, a variant classified as benign is not then subjected to further curation. The score for this variant resulted in a classification of benign for this disease.

Clinical Genetics DNA and cytogenetics Diagnostics Lab, Erasmus MC, Erasmus Medical Center
Classification: Benign for Microcephalic osteodysplastic primordial dwarfism type II. Last evaluated: 2017-06-28. Review status: criteria provided, single submitter. Criteria: ACGS Guidelines, 2013. Collection method: clinical testing. Allele origin: germline. Affected: yes. Study: VKGL Data-share Consensus.

GeneDx
Classification: Benign. Last evaluated: 2015-03-03. Review status: criteria provided, single submitter. Criteria: GeneDx Variant Classification Process June 2021. Collection method: clinical testing. Allele origin: germline. Affected: yes.

Genetic Services Laboratory, University of Chicago
Classification: Benign. Last evaluated: 2013-02-08. Review status: criteria provided, single submitter. Criteria: ACMG Guidelines, 2007. Collection method: clinical testing. Allele origin: germline. Inheritance: Autosomal recessive inheritance.

Breakthrough Genomics
Classification: Benign. Review status: criteria provided, single submitter. Criteria: ACMG Guidelines, 2015. Collection method: not provided. Allele origin: germline. Inheritance: Autosomal recessive inheritance. Affected: yes.

Diagnostic Laboratory, Department of Genetics, University Medical Center Groningen
Classification: Benign for Microcephalic osteodysplastic primordial dwarfism type II. Review status: no assertion criteria provided. Collection method: clinical testing. Allele origin: germline. Affected: yes. Study: VKGL Data-share Consensus. Not counted in ClinVar's aggregate classification.

NM_006031.6(PCNT):c.1542C>A (p.Ser514=)

Gene: PCNT (pericentrin; plus strand). Cytogenetic location: 21q22.3.
Variant type: single nucleotide variant.
Coding change: c.1542C>A on transcript NM_006031.6 (MANE Select); coding-DNA position 1542, C replaced by A.
Protein change: p.Ser514=; no amino-acid change (serine 514 retained).
Molecular consequence: synonymous variant.
Genome position (GRCh38, 1-based): chr21:46,353,189, C>A. VCF-style: chr21-46353189-C-A. GRCh37 (hg19) VCF-style: chr21-47773103-C-A.
Other names: c.1188C>A, p.Ser396= (NM_001315529.2).
Identifiers: ClinVar variation 159566 (VCV000159566.23), dbSNP rs2249057, ClinGen allele CA172972.